The following is an entry in ClinVar:

ClinVar aggregate classification (germline): Uncertain significance (1 of 4 stars; one submission).

Allele frequency attached by ClinVar (database versions not stated): gnomAD exomes below 0.00001.
gnomAD v4.1: 2 of 1,614,108 alleles (0.00012%); highest among the groups gnomAD compares: Non-Finnish European, 0.00017%; no homozygotes.

Submission:

Labcorp Genetics (formerly Invitae), Labcorp
Classification: Uncertain significance. Last evaluated: 2023-02-28. Review status: criteria provided, single submitter. Criteria: Invitae Variant Classification Sherloc (09022015). Collection method: clinical testing. Allele origin: germline.
Comment: This variant is not present in population databases (gnomAD no frequency). This variant has not been reported in the literature in individuals affected with FCHO1-related conditions. An algorithm developed to predict the effect of missense changes on protein structure and function (PolyPhen-2) suggests that this variant is likely to be disruptive. In summary, the available evidence is currently insufficient to determine the role of this variant in disease. Therefore, it has been classified as a Variant of Uncertain Significance. This sequence change replaces valine, which is neutral and non-polar, with phenylalanine, which is neutral and non-polar, at codon 768 of the FCHO1 protein (p.Val768Phe).

NM_015122.3(FCHO1):c.2302G>T (p.Val768Phe)

Gene: FCHO1 (FCH and mu domain containing endocytic adaptor 1; plus strand). Cytogenetic location: 19p13.11.
Variant type: single nucleotide variant.
Coding change: c.2302G>T on transcript NM_015122.3 (MANE Select); coding-DNA position 2302, G replaced by T.
Protein change: p.Val768Phe; replaces valine 768 with phenylalanine.
Molecular consequence: missense variant. On other transcripts: non-coding transcript variant (35), intron variant (5).
Genome position (GRCh38, 1-based): chr19:17,784,800, G>T. VCF-style: chr19-17784800-G-T. GRCh37 (hg19) VCF-style: chr19-17895609-G-T.
Other names: c.2152G>T, p.Val718Phe (NM_001384386.1, NM_001161359.2, NM_001384384.1 and 1 more transcripts); c.2281G>T, p.Val761Phe (NM_001384387.1); c.2263G>T, p.Val755Phe (NM_001384388.1, NM_001384389.1); c.2227G>T, p.Val743Phe (NM_001384390.1); c.2185G>T, p.Val729Phe (NM_001384392.1, NM_001384393.1, NM_001384394.1 and 1 more transcripts); c.2026G>T, p.Val676Phe (NM_001384396.1, NM_001384397.1, NM_001384398.1 and 4 more transcripts); c.2302G>T, p.Val768Phe (NM_001161357.2, NM_001161358.2, NM_001384370.1 and 11 more transcripts); c.1981G>T, p.Val661Phe (NM_001384403.1); and 5 more; short protein forms V729F, V676F, V718F, V743F, V755F, V661F, V761F, V768F.
Identifiers: ClinVar variation 2834602 (VCV002834602.3), dbSNP rs1568375951, ClinGen allele CA404757965.
Genomic context (GRCh38, chr19:17,784,800, plus strand): 5'-CCCCAGTCTGTGCCTCTGCAGCTCAGTGCCCACTGGCAGTGTGGAGCCACCCTCACCCAG[G>T]TCTCAGTGGAGTACGGCTACCGGCCCGGTGCCACGGCTGTGCCCACACCACTCACGAACG-3'
Protein context (NP_055937.1, residues 758-778): HWQCGATLTQ[Val768Phe]SVEYGYRPGA